The following is an entry in ClinVar:

NM_001048174.2(MUTYH):c.45G>C (p.Gln15His)

Gene: MUTYH (mutY DNA glycosylase; minus strand). Cytogenetic location: 1p34.1.
Variant type: single nucleotide variant.
Coding change: c.45G>C on transcript NM_001048174.2 (MANE Select); coding-DNA position 45, G replaced by C.
Protein change: p.Gln15His; replaces glutamine 15 with histidine.
Molecular consequence: missense variant. On other transcripts: 5 prime UTR variant (7), non-coding transcript variant (7).
Genome position (GRCh38, 1-based): chr1:45,334,461, C>G on the plus strand (G>C on the coding strand, the complement: MUTYH is on the minus strand). VCF-style: chr1-45334461-C-G. GRCh37 (hg19) VCF-style: chr1-45800133-C-G.
Other names: c.45G>C, p.Gln15His (NM_001048172.2, NM_001048173.2, NM_001293191.2 and 15 more transcripts); c.87G>C, p.Gln29His (NM_001128425.2, NM_001293190.2, NM_001407069.1 and 2 more transcripts); c.-168G>C (NM_001293192.2, NM_001293196.2, NM_001407091.1); c.-227G>C (NM_001350650.2); c.-163G>C (NM_001350651.2, NM_001407082.1); c.-112G>C (NM_001407075.1); c.63G>C, p.Gln21His (NM_001407087.1); short protein forms Q15H, Q21H, Q29H.
Identifiers: ClinVar variation 3727557 (VCV003727557.3).

ClinVar aggregate classification (germline): Uncertain significance. Review status: criteria provided, multiple submitters, no conflicts (2 of 4 stars). 2 submissions from 2 submitters: Uncertain significance (2). Last evaluated 2025-08-27.

Conditions:
Familial adenomatous polyposis 2. Also called: MUTYH-associated polyposis; MUTYH-related attenuated familial adenomatous polyposis; COLORECTAL ADENOMATOUS POLYPOSIS, AUTOSOMAL RECESSIVE; ADENOMAS, MULTIPLE COLORECTAL, AUTOSOMAL RECESSIVE; MYH-associated polyposis; MUTYH Polyposis. Identifiers: Orphanet 220460, Orphanet 247798, MedGen C3272841, MONDO:0012041, OMIM 608456.
Hereditary cancer-predisposing syndrome. Also called: Hereditary Cancer Syndrome; Hereditary neoplastic syndrome; Neoplastic Syndromes, Hereditary; Tumor predisposition. Identifiers: Orphanet 140162, MedGen C0027672, MeSH D009386, MONDO:0015356.

Submissions (2):

Ambry Genetics
Classification: Uncertain significance for Hereditary cancer-predisposing syndrome. Last evaluated: 2025-08-27. Review status: criteria provided, single submitter. Criteria: Ambry Variant Classification Scheme 2023. Collection method: clinical testing. Allele origin: germline.
Comment: The p.Q29H variant (also known as c.87G>C), located in coding exon 2 of the MUTYH gene, results from a G to C substitution at nucleotide position 87. The glutamine at codon 29 is replaced by histidine, an amino acid with highly similar properties. This amino acid position is conserved. In addition, this alteration is predicted to be tolerated by in silico analysis. Based on the available evidence, the clinical significance of this variant remains unclear.

Labcorp Genetics (formerly Invitae), Labcorp
Classification: Uncertain significance for Familial adenomatous polyposis 2. Last evaluated: 2024-12-18. Review status: criteria provided, single submitter. Criteria: Invitae Variant Classification Sherloc (09022015). Collection method: clinical testing. Allele origin: germline.
Comment: This sequence change replaces glutamine, which is neutral and polar, with histidine, which is basic and polar, at codon 29 of the MUTYH protein (p.Gln29His). This variant is not present in population databases (gnomAD no frequency). This variant has not been reported in the literature in individuals affected with MUTYH-related conditions. An algorithm developed to predict the effect of missense changes on protein structure and function (PolyPhen-2) suggests that this variant is likely to be disruptive. In summary, the available evidence is currently insufficient to determine the role of this variant in disease. Therefore, it has been classified as a Variant of Uncertain Significance.